The following is an entry in ClinVar:

ClinVar aggregate classification (germline): Uncertain significance (1 of 4 stars; one submission).

Allele frequency attached by ClinVar (database versions not stated): gnomAD 0.00001; gnomAD exomes 0.00001; TOPMed 0.00001.
gnomAD v4.1: 10 of 1,505,562 alleles (0.00066%); highest among the groups gnomAD compares: African/African-American, 0.0014%; no homozygotes.

Submission:

Labcorp Genetics (formerly Invitae), Labcorp
Classification: Uncertain significance. Last evaluated: 2021-12-13. Review status: criteria provided, single submitter. Criteria: Invitae Variant Classification Sherloc (09022015). Collection method: clinical testing. Allele origin: germline.
Comment: In summary, the available evidence is currently insufficient to determine the role of this variant in disease. Therefore, it has been classified as a Variant of Uncertain Significance. Algorithms developed to predict the effect of missense changes on protein structure and function are either unavailable or do not agree on the potential impact of this missense change (SIFT: "Deleterious"; PolyPhen-2: "Probably Damaging"; Align-GVGD: "Class C0"). This variant has not been reported in the literature in individuals affected with MMP14-related conditions. This variant is present in population databases (no rsID available, gnomAD 0.01%). This sequence change replaces arginine, which is basic and polar, with histidine, which is basic and polar, at codon 576 of the MMP14 protein (p.Arg576His).

NM_004995.4(MMP14):c.1727G>A (p.Arg576His)

Gene: MMP14 (matrix metallopeptidase 14; plus strand). Cytogenetic location: 14q11.2.
Variant type: single nucleotide variant.
Coding change: c.1727G>A on transcript NM_004995.4 (MANE Select); coding-DNA position 1727, G replaced by A.
Protein change: p.Arg576His; replaces arginine 576 with histidine.
Molecular consequence: missense variant.
Genome position (GRCh38, 1-based): chr14:22,846,017, G>A. VCF-style: chr14-22846017-G-A. GRCh37 (hg19) VCF-style: chr14-23315226-G-A.
Other names: short protein forms R576H.
Identifiers: ClinVar variation 2041329 (VCV002041329.4), dbSNP rs979977579, ClinGen allele CA257749429.